The following is an entry in ClinVar:

ClinVar aggregate classification (germline): Uncertain significance. Review status: criteria provided, multiple submitters, no conflicts (2 of 4 stars). 2 submissions from 2 submitters: Uncertain significance (2). Last evaluated 2025-07-05.

Allele frequency attached by ClinVar (database versions not stated): gnomAD 0.00002; TOPMed 0.00002; ExAC 0.00003; gnomAD exomes 0.00004.
gnomAD v4.1: 53 of 1,608,344 alleles (0.0033%); highest among the groups gnomAD compares: Non-Finnish European, 0.0043%; no homozygotes.

Submissions (2):

Labcorp Genetics (formerly Invitae), Labcorp
Classification: Uncertain significance. Last evaluated: 2025-07-05. Review status: criteria provided, single submitter. Criteria: Invitae Variant Classification Sherloc (09022015). Collection method: clinical testing. Allele origin: germline.
Comment: This sequence change replaces histidine, which is basic and polar, with tyrosine, which is neutral and polar, at codon 586 of the FBN3 protein (p.His586Tyr). This variant is present in population databases (rs747472248, gnomAD 0.007%). This variant has not been reported in the literature in individuals affected with FBN3-related conditions. ClinVar contains an entry for this variant (Variation ID: 2602045). Invitae Evidence Modeling of protein sequence and biophysical properties (such as structural, functional, and spatial information, amino acid conservation, physicochemical variation, residue mobility, and thermodynamic stability) indicates that this missense variant is not expected to disrupt FBN3 protein function with a negative predictive value of 80%. In summary, the available evidence is currently insufficient to determine the role of this variant in disease. Therefore, it has been classified as a Variant of Uncertain Significance.

Ambry Genetics
Classification: Uncertain significance. Last evaluated: 2023-08-08. Review status: criteria provided, single submitter. Criteria: Ambry Variant Classification Scheme 2023. Collection method: clinical testing. Allele origin: germline.

NM_032447.5(FBN3):c.1756C>T (p.His586Tyr)

Gene: FBN3 (fibrillin 3; minus strand). Cytogenetic location: 19p13.2.
Variant type: single nucleotide variant.
Coding change: c.1756C>T on transcript NM_032447.5 (MANE Select); coding-DNA position 1756, C replaced by T.
Protein change: p.His586Tyr; replaces histidine 586 with tyrosine.
Molecular consequence: missense variant.
Genome position (GRCh38, 1-based): chr19:8,131,788, G>A on the plus strand (C>T on the coding strand, the complement: FBN3 is on the minus strand). VCF-style: chr19-8131788-G-A. GRCh37 (hg19) VCF-style: chr19-8196672-G-A.
Other names: c.1756C>T, p.His586Tyr (NM_001321431.2); short protein forms H586Y.
Identifiers: ClinVar variation 2602045 (VCV002602045.3), dbSNP rs747472248, ClinGen allele CA9153163.